The following is an entry in ClinVar:

ClinVar aggregate classification (germline): Likely pathogenic (0 of 4 stars; one submission).

Conditions:
SDCCAG8-related disorder. Also called: SDCCAG8-Related Disorders; SDCCAG8-related condition.

Submission:

PreventionGenetics, part of Exact Sciences
Classification: Likely pathogenic for SDCCAG8-related condition. Last evaluated: 2024-05-24. Review status: no assertion criteria provided. Collection method: clinical testing. Allele origin: germline.
Comment: The SDCCAG8 c.1144_1145dupCA variant is predicted to result in a frameshift and premature protein termination (p.Gln382Hisfs*12). To our knowledge, this variant has not been reported in the literature or in a large population database, indicating this variant is rare. Frameshift variants in SDCCAG8 are expected to be pathogenic. This variant is interpreted as likely pathogenic.

NM_006642.5(SDCCAG8):c.1144_1145dup (p.Gln382fs)

Gene: SDCCAG8 (SHH signaling and ciliogenesis regulator SDCCAG8; plus strand). Cytogenetic location: 1q43.
Variant type: Duplication.
Coding change: c.1144_1145dup on transcript NM_006642.5 (MANE Select); coding-DNA positions 1144 to 1145, 2 bases duplicated (CA; older notation c.1144_1145dupCA).
Protein change: p.Gln382fs; shifts the reading frame from glutamine 382.
Molecular consequence: frameshift variant.
Genome position (GRCh38, 1-based): chr1:243,330,615-243,330,616, CA duplicated. VCF-style (leftmost placement, unchanged base first): chr1-243330614-T-TCA. GRCh37 (hg19) VCF-style: chr1-243493916-T-TCA.
Other names: c.241_242dup, p.Gln81fs (NM_001350246.2, NM_001350247.2, NM_001350251.2); c.1240_1241dup, p.Gln414fs (NM_001350248.2); c.850_851dup, p.Gln284fs (NM_001350249.2); short protein forms Q284fs, Q382fs, Q414fs, Q81fs.
Identifiers: ClinVar variation 3354842 (VCV003354842.1).